The following is an entry in ClinVar:

ClinVar aggregate classification (germline): Uncertain significance (1 of 4 stars; one submission).

Submission:

GeneDx
Classification: Uncertain significance. Last evaluated: 2025-04-18. Review status: criteria provided, single submitter. Criteria: GeneDx Variant Classification Process June 2021. Collection method: clinical testing. Allele origin: germline. Affected: yes.
Comment: Frameshift variant predicted to result in protein truncation or nonsense mediated decay in a gene for which loss of function is a known mechanism of disease; Has not been previously published as pathogenic or benign to our knowledge

NM_001256012.3(MYH10):c.4346del (p.Leu1449fs)

Gene: MYH10 (myosin heavy chain 10; minus strand). Cytogenetic location: 17p13.1.
Variant type: Deletion.
Coding change: c.4346del on transcript NM_001256012.3 (MANE Select); coding-DNA position 4346, one base deleted (T; older notation c.4346delT).
Protein change: p.Leu1449fs; shifts the reading frame from leucine 1449.
Molecular consequence: frameshift variant.
Genome position (GRCh38, 1-based): chr17:8,492,888, A deleted on the plus strand (T on the coding strand, the reverse complement: MYH10 is on the minus strand). VCF-style (leftmost placement, unchanged base first): chr17-8492887-CA-C. GRCh37 (hg19) VCF-style: chr17-8396205-CA-C.
Other names: c.4280del, p.Leu1427fs (NM_001256095.2); c.4283del, p.Leu1428fs (NM_001375266.1); c.4253del, p.Leu1418fs (NM_005964.5); short protein forms L1418fs, L1427fs, L1428fs, L1449fs.
Identifiers: ClinVar variation 4282254 (VCV004282254.1).